The following is an entry in ClinVar:

ClinVar aggregate classification (germline): Uncertain significance (1 of 4 stars; one submission).

Conditions:
Pheochromocytoma/paraganglioma syndrome 3. Also called: GLOMUS TUMORS, FAMILIAL, 3; Paragangliomas 3; SDHC-Related Hereditary Paraganglioma-Pheochromocytoma Syndrome (Paragangliomas 3); SDHC-Related Hereditary Paraganglioma-Pheochromocytoma Syndrome. Identifiers: Orphanet 29072, MedGen C1854336, MONDO:0011544, OMIM 605373.
Gastrointestinal stromal tumor. Also called: Gastrointestinal stroma tumor; Gastrointestinal stromal tumor, somatic. Identifiers: Orphanet 44890, MedGen C0238198, MeSH D046152, MONDO:0011719, OMIM 606764, HP:0100723.

Submission:

Labcorp Genetics (formerly Invitae), Labcorp
Classification: Uncertain significance for Pheochromocytoma/paraganglioma syndrome 3; Gastrointestinal stromal tumor. Last evaluated: 2025-12-24. Review status: criteria provided, single submitter. Criteria: Invitae Variant Classification Sherloc (09022015). Collection method: clinical testing. Allele origin: germline.
Comment: This sequence change replaces alanine, which is neutral and non-polar, with aspartic acid, which is acidic and polar, at codon 2 of the SDHC protein (p.Ala2Asp). This variant is not present in population databases (gnomAD no frequency). This variant has not been reported in the literature in individuals affected with SDHC-related conditions. An algorithm developed to predict the effect of missense changes on protein structure and function (PolyPhen-2) suggests that this variant is likely to be disruptive. In summary, the available evidence is currently insufficient to determine the role of this variant in disease. Therefore, it has been classified as a Variant of Uncertain Significance.

NM_003001.5(SDHC):c.5C>A (p.Ala2Asp)

Gene: SDHC (succinate dehydrogenase complex subunit C; plus strand). Cytogenetic location: 1q23.3.
Variant type: single nucleotide variant.
Coding change: c.5C>A on transcript NM_003001.5 (MANE Select); coding-DNA position 5, C replaced by A.
Protein change: p.Ala2Asp; replaces alanine 2 with aspartic acid.
Molecular consequence: missense variant. On other transcripts: 5 prime UTR variant (2), non-coding transcript variant (1).
Genome position (GRCh38, 1-based): chr1:161,314,410, C>A. VCF-style: chr1-161314410-C-A. GRCh37 (hg19) VCF-style: chr1-161284200-C-A.
Other names: c.5C>A, p.Ala2Asp (NM_001035511.3, NM_001035512.3, NM_001035513.3 and 6 more transcripts); c.-556C>A (NM_001407119.1); c.-225C>A (NM_001407120.1); short protein forms A2D.
Identifiers: ClinVar variation 4787127 (VCV004787127.1).